The following is an entry in ClinVar:

ClinVar aggregate classification (germline): Uncertain significance. Review status: criteria provided, multiple submitters, no conflicts (2 of 4 stars). 2 submissions from 2 submitters: Uncertain significance (2). Last evaluated 2025-08-14.

Allele frequency attached by ClinVar (database versions not stated): ExAC 0.00002; gnomAD exomes 0.00002; TOPMed 0.00002; gnomAD 0.00004.
gnomAD v4.1: 13 of 1,614,044 alleles (0.00081%); highest among the groups gnomAD compares: African/African-American, 0.008%; no homozygotes.

Submissions (2):

Labcorp Genetics (formerly Invitae), Labcorp
Classification: Uncertain significance. Last evaluated: 2025-08-14. Review status: criteria provided, single submitter. Criteria: Invitae Variant Classification Sherloc (09022015). Collection method: clinical testing. Allele origin: germline.
Comment: This sequence change replaces methionine, which is neutral and non-polar, with valine, which is neutral and non-polar, at codon 688 of the CTNNB1 protein (p.Met688Val). This variant is present in population databases (rs4135384, gnomAD 0.01%). This variant has not been reported in the literature in individuals affected with CTNNB1-related conditions. ClinVar contains an entry for this variant (Variation ID: 597541). Invitae Evidence Modeling of protein sequence and biophysical properties (such as structural, functional, and spatial information, amino acid conservation, physicochemical variation, residue mobility, and thermodynamic stability) indicates that this missense variant is not expected to disrupt CTNNB1 protein function with a negative predictive value of 80%. In summary, the available evidence is currently insufficient to determine the role of this variant in disease. Therefore, it has been classified as a Variant of Uncertain Significance.

Eurofins Ntd Llc (ga)
Classification: Uncertain significance. Last evaluated: 2018-06-15. Review status: criteria provided, single submitter. Criteria: EGL ClinVar v180209 classification definitions. Collection method: clinical testing. Allele origin: germline. Observed: 1 variant allele, 1 heterozygote.

NM_001904.4(CTNNB1):c.2062A>G (p.Met688Val)

Gene: CTNNB1 (catenin beta 1; plus strand). Cytogenetic location: 3p22.1.
Variant type: single nucleotide variant.
Coding change: c.2062A>G on transcript NM_001904.4 (MANE Select); coding-DNA position 2062, A replaced by G.
Protein change: p.Met688Val; replaces methionine 688 with valine.
Molecular consequence: missense variant.
Genome position (GRCh38, 1-based): chr3:41,236,695, A>G. VCF-style: chr3-41236695-A-G. GRCh37 (hg19) VCF-style: chr3-41278186-A-G.
Other names: c.2062A>G, p.Met688Val (NM_001098209.2, NM_001098210.2); c.2041A>G, p.Met681Val (NM_001330729.2); short protein forms M688V, M681V.
Identifiers: ClinVar variation 597541 (VCV000597541.12), dbSNP rs4135384, ClinGen allele CA2331244.